The following is an entry in ClinVar:

ClinVar aggregate classification (germline): Uncertain significance (1 of 4 stars; one submission).

Conditions:
Dilated cardiomyopathy 1KK (CMD1KK). Identifiers: Orphanet 154, Orphanet 75249, MedGen C3714995, MONDO:0014100, OMIM 615248.

Submission:

Centre for Mendelian Genomics, University Medical Centre Ljubljana
Classification: Uncertain significance for Dilated cardiomyopathy 1KK. Last evaluated: 2019-09-11. Review status: criteria provided, single submitter. Criteria: ACMG Guidelines, 2015. Collection method: clinical testing. Allele origin: unknown. Affected: yes.
Comment: This variant was classified as: Uncertain significance. The available evidence on this variant's pathogenicity is insufficient or conflicting. The following ACMG criteria were applied in classifying this variant: PM2,BP4.

NM_032578.4(MYPN):c.3158+14G>A

Gene: MYPN (myopalladin; plus strand). Cytogenetic location: 10q21.3.
Variant type: single nucleotide variant.
Coding change: c.3158+14G>A on transcript NM_032578.4 (MANE Select); 14 bases into the intron after coding-DNA position 3158, G replaced by A.
Molecular consequence: intron variant.
Genome position (GRCh38, 1-based): chr10:68,195,546, G>A. VCF-style: chr10-68195546-G-A. GRCh37 (hg19) VCF-style: chr10-69955303-G-A.
Other names: c.3158+14G>A (NM_001256267.2); c.2276+14G>A (NM_001256268.2).
Identifiers: ClinVar variation 931579 (VCV000931579.3), dbSNP rs2043590750, ClinGen allele CA1139661462.